The following is an entry in ClinVar:

ClinVar aggregate classification (germline): Uncertain significance. Review status: criteria provided, multiple submitters, no conflicts (2 of 4 stars). 4 submissions from 4 submitters: Uncertain significance (4). Last evaluated 2024-05-20.

Conditions:
Cardiomyopathy (CMYO). Also called: Cardiomyopathies. Identifiers: Orphanet 167848, MedGen C0878544, MONDO:0004994, HP:0001638. Inheritance: Various modes of inheritance.
Hypertrophic cardiomyopathy. Also called: HYPERTROPHIC MYOCARDIOPATHY. Identifiers: Orphanet 217569, MedGen C0007194, MeSH D002312, MONDO:0005045, HP:0001639.

Allele frequency attached by ClinVar (database versions not stated): gnomAD exomes below 0.00001; gnomAD 0.00001; TOPMed 0.00001.

Submissions (4):

Color Diagnostics, LLC DBA Color Health
Classification: Uncertain significance for Cardiomyopathy. Last evaluated: 2024-05-20. Review status: criteria provided, single submitter. Criteria: ACMG Guidelines, 2015. Collection method: clinical testing. Allele origin: germline.
Comment: This missense variant replaces glutamine with arginine at codon 1215 of the MYH7 protein. Computational prediction suggests that this variant may have deleterious impact on protein structure and function. To our knowledge, functional studies have not been reported for this variant. This variant has been reported in an individual affected with limb-girdle weakness (PMID: 32528171). This variant has been identified in 1/250986 chromosomes in the general population by the Genome Aggregation Database (gnomAD). The available evidence is insufficient to determine the role of this variant in autosomal dominant cardiomyopathy conclusively. Therefore, this variant is classified as a Variant of Uncertain Significance.

All of Us Research Program, National Institutes of Health
Classification: Uncertain significance for Cardiomyopathy. Last evaluated: 2023-11-30. Review status: criteria provided, single submitter. Criteria: ACMG Guidelines, 2015. Collection method: clinical testing. Allele origin: germline. Inheritance: Autosomal dominant inheritance. Observed: 1 variant allele, 1 heterozygote.
Comment: This study involves interpretation of variants in research participants for the purpose of population health screening. Participant phenotype was not available at the time of variant classification. Additional details can be found in publication PMID: 35346344, PMCID: PMC8962531

Blueprint Genetics
Classification: Uncertain significance. Last evaluated: 2023-03-31. Review status: criteria provided, single submitter. Criteria: ACMG Guidelines, 2015. Collection method: clinical testing. Allele origin: germline.

Labcorp Genetics (formerly Invitae), Labcorp
Classification: Uncertain significance for Hypertrophic cardiomyopathy. Last evaluated: 2022-02-08. Review status: criteria provided, single submitter. Criteria: Invitae Variant Classification Sherloc (09022015). Collection method: clinical testing. Allele origin: germline.
Comment: This sequence change replaces glutamine, which is neutral and polar, with arginine, which is basic and polar, at codon 1215 of the MYH7 protein (p.Gln1215Arg). In summary, the available evidence is currently insufficient to determine the role of this variant in disease. Therefore, it has been classified as a Variant of Uncertain Significance. Algorithms developed to predict the effect of missense changes on protein structure and function are either unavailable or do not agree on the potential impact of this missense change (SIFT: "Deleterious"; PolyPhen-2: "Probably Damaging"; Align-GVGD: "Class C0"). This missense change has been observed in individual(s) with clinical features of distal myopathy (PMID: 32528171). This variant is present in population databases (no rsID available, gnomAD 0.0009%).

Literature cited by the submitters: PubMed 32528171 (cited by Color Diagnostics, LLC DBA Color Health and Labcorp Genetics (formerly Invitae), Labcorp).

NM_000257.4(MYH7):c.3644A>G (p.Gln1215Arg)

Gene: MYH7 (myosin heavy chain 7; minus strand). Cytogenetic location: 14q11.2.
Variant type: single nucleotide variant.
Coding change: c.3644A>G on transcript NM_000257.4 (MANE Select); coding-DNA position 3644, A replaced by G.
Protein change: p.Gln1215Arg; replaces glutamine 1215 with arginine.
Molecular consequence: missense variant.
Genome position (GRCh38, 1-based): chr14:23,419,927, T>C on the plus strand (A>G on the coding strand, the complement: MYH7 is on the minus strand). VCF-style: chr14-23419927-T-C. GRCh37 (hg19) VCF-style: chr14-23889136-T-C.
Other names: c.3644A>G, p.Gln1215Arg (NM_001407004.1); short protein forms Q1215R.
Identifiers: ClinVar variation 1984454 (VCV001984454.8), dbSNP rs915081927, ClinGen allele CA257815434.
Genomic context (GRCh38, chr14:23,419,927, plus strand): 5'-ATGTTGGAGGTGACGTCATCCAGCTCCAGCTTGAACTCGCTCTTCTCCTTCTCCAGCTTC[T>C]GCTTCACCCGCTGCAGGTTGTCGATCTGCTCGCCCAGCTCGGCCACGCTGTCGGCGTGCT-3'
Protein context (NP_000248.2, residues 1205-1225): EQIDNLQRVK[Gln1215Arg]KLEKEKSEFK